The following is an entry in ClinVar:

NM_001282112.2(TOP3B):c.2275G>A (p.Glu759Lys)

Gene: TOP3B (DNA topoisomerase III beta; minus strand). Cytogenetic location: 22q11.22.
Variant type: single nucleotide variant.
Coding change: c.2275G>A on transcript NM_001282112.2 (MANE Select); coding-DNA position 2275, G replaced by A.
Protein change: p.Glu759Lys; replaces glutamic acid 759 with lysine.
Molecular consequence: missense variant. On other transcripts: 3 prime UTR variant (2), non-coding transcript variant (1).
Genome position (GRCh38, 1-based): chr22:21,957,428, C>T on the plus strand (G>A on the coding strand, the complement: TOP3B is on the minus strand). VCF-style: chr22-21957428-C-T. GRCh37 (hg19) VCF-style: chr22-22311800-C-T.
Other names: c.2275G>A, p.Glu759Lys (NM_001282113.2, NM_001349845.2, NM_001349847.2 and 1 more transcripts); c.1867G>A, p.Glu623Lys (NM_001349848.2, NM_001349850.2); c.*978G>A (NM_001349851.2, NM_001349852.2); short protein forms E623K, E759K.
Identifiers: ClinVar variation 2652951 (VCV002652951.24), dbSNP rs561936553, ClinGen allele CA10125290.

ClinVar aggregate classification (germline): Benign (1 of 4 stars; one submission).

Allele frequency attached by ClinVar (database versions not stated): 1000 Genomes Project 30x 0.00047; 1000 Genomes Project 0.00060; ExAC 0.00101; TOPMed 0.00106.

Submission:

CeGaT Center for Human Genetics Tuebingen
Classification: Benign. Last evaluated: 2023-07-01. Review status: criteria provided, single submitter. Criteria: CeGaT Center For Human Genetics Tuebingen Variant Classification Criteria Version 2. Collection method: clinical testing. Allele origin: germline. Affected: yes. Observed: 2 variant alleles.
Comment: TOP3B: BS1, BS2